The following is an entry in ClinVar:

NM_000038.6(APC):c.3034A>G (p.Asn1012Asp)

Gene: APC (APC regulator of Wnt signaling pathway; plus strand). Cytogenetic location: 5q22.2.
Variant type: single nucleotide variant.
Coding change: c.3034A>G on transcript NM_000038.6 (MANE Select); coding-DNA position 3034, A replaced by G.
Protein change: p.Asn1012Asp; replaces asparagine 1012 with aspartic acid.
Molecular consequence: missense variant.
Genome position (GRCh38, 1-based): chr5:112,838,628, A>G. VCF-style: chr5-112838628-A-G. GRCh37 (hg19) VCF-style: chr5-112174325-A-G.
Other names: c.3034A>G, p.Asn1012Asp (NM_001127510.3, NM_001354895.2); c.2980A>G, p.Asn994Asp (NM_001127511.3); c.3088A>G, p.Asn1030Asp (NM_001354896.2); c.3064A>G, p.Asn1022Asp (NM_001354897.2); c.2959A>G, p.Asn987Asp (NM_001354898.2); c.2950A>G, p.Asn984Asp (NM_001354899.2); c.2911A>G, p.Asn971Asp (NM_001354900.2); c.2857A>G, p.Asn953Asp (NM_001354901.2); and 5 more; short protein forms N1012D, N1022D, N1030D, N729D, N852D, N886D, N911D, N921D.
Identifiers: ClinVar variation 1171637 (VCV001171637.4), dbSNP rs2149882779, ClinGen allele CA16027968.

ClinVar aggregate classification (germline): Uncertain significance. Review status: criteria provided, multiple submitters, no conflicts (2 of 4 stars). 3 submissions from 3 submitters: Uncertain significance (3). Last evaluated 2025-09-22.

Conditions:
Hereditary cancer-predisposing syndrome. Also called: Tumor predisposition; Hereditary neoplastic syndrome; Hereditary Cancer Syndrome; Neoplastic Syndromes, Hereditary. Identifiers: Orphanet 140162, MedGen C0027672, MeSH D009386, MONDO:0015356.
Classic or attenuated familial adenomatous polyposis. Identifiers: MedGen CN372698, MONDO:0021057.

Submissions (3):

Ambry Genetics
Classification: Uncertain significance for Hereditary cancer-predisposing syndrome. Last evaluated: 2025-09-22. Review status: criteria provided, single submitter. Criteria: Ambry Variant Classification Scheme 2023. Collection method: clinical testing. Allele origin: germline.
Comment: The p.N1012D variant (also known as c.3034A>G), located in coding exon 15 of the APC gene, results from an A to G substitution at nucleotide position 3034. The asparagine at codon 1012 is replaced by aspartic acid, an amino acid with highly similar properties. This amino acid position is conserved. In addition, in silico predictors for this gene do not accurately predict pathogenicity. Based on the available evidence, the clinical significance of this variant remains unclear.

All of Us Research Program, National Institutes of Health
Classification: Uncertain significance for Classic or attenuated familial adenomatous polyposis. Last evaluated: 2023-05-08. Review status: criteria provided, single submitter. Criteria: ACMG Guidelines, 2015. Collection method: clinical testing. Allele origin: germline. Inheritance: Autosomal dominant inheritance. Observed: 1 variant allele, 1 heterozygote.
Comment: This missense variant replaces asparagine with aspartic acid at codon 1012 of the APC protein. Computational prediction is inconclusive regarding the impact of this variant on protein structure and function (internally defined REVEL score threshold 0.5 < inconclusive < 0.7, PMID: 27666373). To our knowledge, functional studies have not been reported for this variant. This variant has not been reported in individuals affected with hereditary cancer in the literature. This variant has not been identified in the general population by the Genome Aggregation Database (gnomAD). The available evidence is insufficient to determine the role of this variant in disease conclusively. Therefore, this variant is classified as a Variant of Uncertain Significance.

This study involves interpretation of variants in research participants for the purpose of population health screening. Participant phenotype was not available at the time of variant classification. Additional details can be found in publication PMID: 35346344, PMCID: PMC8962531

Color Diagnostics, LLC DBA Color Health
Classification: Uncertain significance for Hereditary cancer-predisposing syndrome. Last evaluated: 2020-12-23. Review status: criteria provided, single submitter. Criteria: ACMG Guidelines, 2015. Collection method: clinical testing. Allele origin: germline.
Comment: This missense variant replaces asparagine with aspartic acid at codon 1012 of the APC protein. Computational prediction is inconclusive regarding the impact of this variant on protein structure and function (internally defined REVEL score threshold 0.5 < inconclusive < 0.7, PMID: 27666373). To our knowledge, functional studies have not been reported for this variant. This variant has not been reported in individuals affected with hereditary cancer in the literature. This variant has not been identified in the general population by the Genome Aggregation Database (gnomAD). The available evidence is insufficient to determine the role of this variant in disease conclusively. Therefore, this variant is classified as a Variant of Uncertain Significance.